The following is an entry in ClinVar:

NM_000260.4(MYO7A):c.6505A>G (p.Ile2169Val)

Gene: MYO7A (myosin VIIA; plus strand). Cytogenetic location: 11q13.5.
Variant type: single nucleotide variant.
Coding change: c.6505A>G on transcript NM_000260.4 (MANE Select); coding-DNA position 6505, A replaced by G.
Protein change: p.Ile2169Val; replaces isoleucine 2169 with valine.
Molecular consequence: missense variant.
Genome position (GRCh38, 1-based): chr11:77,213,926, A>G. VCF-style: chr11-77213926-A-G. GRCh37 (hg19) VCF-style: chr11-76924971-A-G.
Other names: c.6385A>G, p.Ile2129Val (NM_001127180.2); c.6358A>G, p.Ile2120Val (NM_001369365.1); short protein forms I2169V, I2120V, I2129V.
Identifiers: ClinVar variation 1518430 (VCV001518430.6), dbSNP rs771904422, ClinGen allele CA6199095.
Genomic context (GRCh38, chr11:77,213,926, plus strand): 5'-CTCACCACTCATCCCTTCACCAAGATCTCCAACTGGAGCAGCGGCAACACCTACTTCCAC[A>G]TCACCATTGGGAACTTGGTGCGCGGGAGCAAACTGCTCTGCGAGACGTCACTGGTGAGGG-3'
Protein context (NP_000251.3, residues 2159-2179): NWSSGNTYFH[Ile2169Val]TIGNLVRGSK

ClinVar aggregate classification (germline): Uncertain significance (1 of 4 stars; one submission).

Allele frequency attached by ClinVar (database versions not stated): gnomAD exomes below 0.00001 and 0.00001; ExAC 0.00002.
gnomAD v4.1: 2 of 1,614,032 alleles (0.00012%); highest among the groups gnomAD compares: Admixed American, 0.0033%; no homozygotes.

Submission:

Labcorp Genetics (formerly Invitae), Labcorp
Classification: Uncertain significance. Last evaluated: 2021-12-14. Review status: criteria provided, single submitter. Criteria: Invitae Variant Classification Sherloc (09022015). Collection method: clinical testing. Allele origin: germline.
Comment: This sequence change replaces isoleucine, which is neutral and non-polar, with valine, which is neutral and non-polar, at codon 2169 of the MYO7A protein (p.Ile2169Val). In summary, the available evidence is currently insufficient to determine the role of this variant in disease. Therefore, it has been classified as a Variant of Uncertain Significance. Advanced modeling of protein sequence and biophysical properties (such as structural, functional, and spatial information, amino acid conservation, physicochemical variation, residue mobility, and thermodynamic stability) performed at Invitae indicates that this missense variant is not expected to disrupt MYO7A protein function. This variant has not been reported in the literature in individuals affected with MYO7A-related conditions. This variant is present in population databases (rs771904422, gnomAD 0.006%).